The following is an entry in ClinVar:

NM_001009944.3(PKD1):c.3549G>A (p.Ser1183=)

Gene: PKD1 (polycystin 1, transient receptor potential channel interacting; minus strand). Cytogenetic location: 16p13.3.
Variant type: single nucleotide variant.
Coding change: c.3549G>A on transcript NM_001009944.3 (MANE Select); coding-DNA position 3549, G replaced by A.
Protein change: p.Ser1183=; no amino-acid change (serine 1183 retained).
Molecular consequence: synonymous variant.
Genome position (GRCh38, 1-based): chr16:2,111,618, C>T on the plus strand (G>A on the coding strand, the complement: PKD1 is on the minus strand). VCF-style: chr16-2111618-C-T. GRCh37 (hg19) VCF-style: chr16-2161619-C-T.
Other names: c.3549G>A, p.Ser1183= (NM_000296.4).
Identifiers: ClinVar variation 5001070 (VCV005001070.1).

ClinVar aggregate classification (germline): Likely benign (1 of 4 stars; one submission).

Conditions:
PKD1-related disorder. Also called: PKD1-related condition.

gnomAD v4.1: 7 of 1,574,310 alleles (0.00044%); highest among the groups gnomAD compares: East Asian, 0.0093%; no homozygotes.

Submission:

PreventionGenetics, part of Exact Sciences
Classification: Likely benign for PKD1-related condition. Last evaluated: 2026-09-23. Review status: criteria provided, single submitter. Criteria: ACMG Guidelines, 2015. Collection method: clinical testing. Allele origin: germline.
Comment: This variant is classified as likely benign based on ACMG/AMP sequence variant interpretation guidelines (Richards et al. 2015 PMID: 25741868, with internal and published modifications).